The following is an entry in ClinVar:

NM_005428.4(VAV1):c.997G>A (p.Val333Ile)

Gene: VAV1 (vav guanine nucleotide exchange factor 1; plus strand). Cytogenetic location: 19p13.3.
Variant type: single nucleotide variant.
Coding change: c.997G>A on transcript NM_005428.4 (MANE Select); coding-DNA position 997, G replaced by A.
Protein change: p.Val333Ile; replaces valine 333 with isoleucine.
Molecular consequence: missense variant.
Genome position (GRCh38, 1-based): chr19:6,828,145, G>A. VCF-style: chr19-6828145-G-A. GRCh37 (hg19) VCF-style: chr19-6828156-G-A.
Other names: c.997G>A, p.Val333Ile (NM_001258206.2); c.901G>A, p.Val301Ile (NM_001258207.2); short protein forms V301I, V333I.
Identifiers: ClinVar variation 3711082 (VCV003711082.2).

ClinVar aggregate classification (germline): Uncertain significance (1 of 4 stars; one submission).

gnomAD v4.1: 8 of 1,614,074 alleles (0.0005%); highest among the groups gnomAD compares: African/African-American, 0.011%; no homozygotes.

Submission:

Labcorp Genetics (formerly Invitae), Labcorp
Classification: Uncertain significance. Last evaluated: 2025-01-21. Review status: criteria provided, single submitter. Criteria: Invitae Variant Classification Sherloc (09022015). Collection method: clinical testing. Allele origin: germline.
Comment: This sequence change replaces valine, which is neutral and non-polar, with isoleucine, which is neutral and non-polar, at codon 333 of the VAV1 protein (p.Val333Ile). This variant is present in population databases (rs779910201, gnomAD 0.02%). This variant has not been reported in the literature in individuals affected with VAV1-related conditions. An algorithm developed to predict the effect of missense changes on protein structure and function (PolyPhen-2) suggests that this variant is likely to be disruptive. In summary, the available evidence is currently insufficient to determine the role of this variant in disease. Therefore, it has been classified as a Variant of Uncertain Significance.